The following is an entry in ClinVar:

NM_000518.4(HBB):c.388G>C (p.Ala130Pro)

Genes: HBB (hemoglobin subunit beta; minus strand), LOC107133510 (origin of replication at HBB; plus strand), LOC110006319 (beta-globin gene 3' regulatory region; plus strand). Cytogenetic location: 11p15.4.
Variant type: single nucleotide variant.
Coding change: c.388G>C on transcript NM_000518.4; coding-DNA position 388, G replaced by C.
Protein change: p.Ala130Pro; replaces alanine 130 with proline.
Molecular consequence: missense variant (on NM_000518.5).
Genome position (GRCh38, 1-based): chr11:5,225,654, C>G on the plus strand (G>C on the coding strand, the complement: HBB is on the minus strand). VCF-style: chr11-5225654-C-G. GRCh37 (hg19) VCF-style: chr11-5246884-C-G.
Other names: A129P; c.388G>C, p.Ala130Pro (NM_000518.5); short protein forms A130P.
Identifiers: ClinVar variation 15146 (VCV000015146.8), dbSNP rs35939430, ClinGen allele CA124812.

ClinVar aggregate classification (germline): Conflicting classifications of pathogenicity. Review status: criteria provided, conflicting classifications (1 of 4 stars). 4 submissions from 4 submitters: Likely pathogenic (1); Uncertain significance (2). 1 of the submissions does not count toward it. Last evaluated 2025-07-03.

Conditions:
beta Thalassemia (BTHAL). Also called: Cooley's anemia; Erythroblastic anemia; Mediterranean anemia. Identifiers: Orphanet 848, MedGen C0005283, MONDO:0019402. Disease mechanism: loss of function.
HEMOGLOBIN CRETE.

Submissions (4):

Women's Health and Genetics/Laboratory Corporation of America, LabCorp
Classification: Uncertain significance. Last evaluated: 2025-07-03. Review status: criteria provided, single submitter. Criteria: LabCorp Variant Classification Summary - May 2015. Collection method: clinical testing. Allele origin: germline.
Comment: Variant summary: HBB c.388G>C (p.Ala130Pro), also referred to as Hb Crete, results in a non-conservative amino acid change in the encoded protein sequence. Algorithms developed to predict the effect of missense changes on protein structure and function all suggest that this variant is likely to be disruptive. The variant allele was found at a frequency of 4e-06 in 251326 control chromosomes. The available data on variant occurrences in the general population are insufficient to allow any conclusion about variant significance. c.388G>C has been reported in a homozygous individual with a complex phenotype of erythrocytosis and functional anemia (Papassotitiou_2005). It has also been observed in several heterozygous and compound heterozygous individuals with abnormal red blood cell morphology and mild erythocytosis, but who were mostly clinically asymptommatic with no splenomegaly, and no history of thrombosis (e.g. Maniatis_1979, Christopoulou_2004, Arslan_2011, Komninaka_2024). These reports do not provide unequivocal conclusions about association of the variant with Hemoglobinopathy. Functional studies have shown that the variant results in reduced stability, moderately decreased cooperativity, a normal Bohr effect and increased oxygen affinity (e.g. Maniatis_1979, Christopoulou_2004, Papassotitiou_2005); however, these findings do not allow for convincing conclusions to be made about the variant effect. The following publications have been ascertained in the context of this evaluation (PMID: 15658190, 36184, 27264598, 15885607, 38256595). ClinVar contains an entry for this variant (Variation ID: 15146). Based on the evidence outlined above, the variant was classified as uncertain significance.

Quest Diagnostics Nichols Institute San Juan Capistrano
Classification: Uncertain significance. Last evaluated: 2024-03-29. Review status: criteria provided, single submitter. Criteria: Quest Diagnostics criteria. Collection method: clinical testing. Allele origin: unknown.
Comment: The HBB c.388G>C (p.Ala130Pro) variant has been reported in the published literature in a homozygous individual with a complex phenotype including mild erythrocytosis and functional anemia as well as in heterozygous carriers who are either described as having normal hemoglobin levels, however, with hematological data usually associated with thalassemia trait (PMID 15885607 (2005)) or affected with mild hemolytic anemia (PMID 15658190 (2004)). In addition, functional studies have described this variant as having increased oxygen affinity, decreased cooperativity, and being unstable (HbVar, Ithanet, PMID 36184 (1979) and 15885607 (2005)). The frequency of this variant in the general population, 0.000004 (1/251326 chromosomes (Genome Aggregation Database)), is uninformative in the assessment of its pathogenicity. Analysis of this variant using bioinformatics tools for the prediction of the effect of amino acid changes on protein structure and function yielded predictions that this variant is damaging. Based on the available information, we are unable to determine the clinical significance of this variant.

Neuberg Centre For Genomic Medicine, NCGM
Classification: Likely pathogenic for Beta-thalassemia HBB/LCRB. Review status: criteria provided, single submitter. Criteria: ACMG Guidelines, 2015. Collection method: clinical testing. Allele origin: germline. Affected: yes.
Comment: The missense variant p.A130P in HBB (NM_000518.5) has been previously reported as Hb Crete (Christopoulou G et al, 2004). The p.A130P variant is observed in 1/1,13,636 (0.0009%) alleles from individuals of European (Non-Finnish) background in gnomAD Exomes and is novel (not in any individuals) in 1000 Genomes. In silico tools are contradictory in their predictions and the variant is weakly conserved across species. For these reasons, this variant has been classified as Likely Pathogenic.

OMIM
Classification: other for HEMOGLOBIN CRETE. Last evaluated: 2017-12-12. Review status: no assertion criteria provided. Collection method: literature only. Allele origin: germline. Not counted in ClinVar's aggregate classification.

Literature cited by the submitters: PubMed 15658190 (cited by 3 submitters); PubMed 36184 (cited by 3 submitters); PubMed 27264598 (cited by Women's Health and Genetics/Laboratory Corporation of America, LabCorp); PubMed 15885607 (cited by Women's Health and Genetics/Laboratory Corporation of America, LabCorp and Quest Diagnostics Nichols Institute San Juan Capistrano); PubMed 38256595 (cited by Women's Health and Genetics/Laboratory Corporation of America, LabCorp); PubMed 27207683 (cited by Quest Diagnostics Nichols Institute San Juan Capistrano); PubMed 15921161 (cited by Quest Diagnostics Nichols Institute San Juan Capistrano).